The following is an entry in ClinVar:

ClinVar aggregate classification (germline): Conflicting classifications of pathogenicity. Review status: criteria provided, conflicting classifications (1 of 4 stars). 2 submissions from 2 submitters: Uncertain significance (1); Likely benign (1). Last evaluated 2025-01-06.

Conditions:
Congenital myasthenic syndrome 14. Also called: Myasthenic syndrome, congenital, 14, with tubular aggregates. Identifiers: Orphanet 353327, Orphanet 590, MedGen C4015597, MONDO:0014543, OMIM 616228.
Congenital disorder of glycosylation, type Ii. Also called: CDG Ii; ALG2-congenital disorder of glycosylation; ALG2-CDG. Identifiers: Orphanet 79326, MedGen C1842836, MONDO:0011933, OMIM 607906.
Inborn genetic diseases. Identifiers: MedGen C0950123, MeSH D030342.

Allele frequency attached by ClinVar (database versions not stated): ESP Exome Variant Server 0.00008; gnomAD 0.00009 and 0.00010; gnomAD exomes 0.00008; ExAC 0.00012; TOPMed 0.00012.

Submissions (2):

Labcorp Genetics (formerly Invitae), Labcorp
Classification: Uncertain significance for Congenital disorder of glycosylation, type Ii; Congenital myasthenic syndrome 14. Last evaluated: 2025-01-06. Review status: criteria provided, single submitter. Criteria: Invitae Variant Classification Sherloc (09022015). Collection method: clinical testing. Allele origin: germline.
Comment: This sequence change replaces arginine, which is basic and polar, with glutamine, which is neutral and polar, at codon 409 of the ALG2 protein (p.Arg409Gln). This variant is present in population databases (rs369231996, gnomAD 0.01%). This variant has not been reported in the literature in individuals affected with ALG2-related conditions. ClinVar contains an entry for this variant (Variation ID: 952342). An algorithm developed to predict the effect of missense changes on protein structure and function outputs the following: PolyPhen-2: "Benign". The glutamine amino acid residue is found in multiple mammalian species, which suggests that this missense change does not adversely affect protein function. In summary, the available evidence is currently insufficient to determine the role of this variant in disease. Therefore, it has been classified as a Variant of Uncertain Significance.

Ambry Genetics
Classification: Likely benign for Inborn genetic diseases. Last evaluated: 2023-11-14. Review status: criteria provided, single submitter. Criteria: Ambry Variant Classification Scheme 2023. Collection method: clinical testing. Allele origin: germline.

NM_033087.4(ALG2):c.1226G>A (p.Arg409Gln)

Gene: ALG2 (ALG2 alpha-1,3/1,6-mannosyltransferase; minus strand). Cytogenetic location: 9q22.33.
Variant type: single nucleotide variant.
Coding change: c.1226G>A on transcript NM_033087.4 (MANE Select); coding-DNA position 1226, G replaced by A.
Protein change: p.Arg409Gln; replaces arginine 409 with glutamine.
Molecular consequence: missense variant. On other transcripts: non-coding transcript variant (1).
Genome position (GRCh38, 1-based): chr9:99,217,959, C>T on the plus strand (G>A on the coding strand, the complement: ALG2 is on the minus strand). VCF-style: chr9-99217959-C-T. GRCh37 (hg19) VCF-style: chr9-101980241-C-T.
Other names: short protein forms R409Q.
Identifiers: ClinVar variation 952342 (VCV000952342.6), dbSNP rs369231996, ClinGen allele CA5156183.
Genomic context (GRCh38, chr9:99,217,959, plus strand): 5'-AAATGACATTAATGGAGATCTTAAAAACAATCTGATTATACCAGCAGTTTGGTAACATAT[C>T]GGTAGAGCTGTTCTGTAAATGCTTCAGGGGAAAATTTTTCCTTCACTCTGGCTCTTCCAG-3'
Protein context (NP_149078.1, residues 399-416): SPEAFTEQLY[Arg409Gln]YVTKLLV